The following is an entry in ClinVar:

ClinVar aggregate classification (germline): Uncertain significance (1 of 4 stars; one submission).

Conditions:
Epidermolysis bullosa simplex 5C, with pyloric atresia (EBS5C). Also called: PLEC-Related Epidermolysis Bullosa with Pyloric Atresia; Epidermolysis bullosa simplex with pyloric atresia; PLEC1-Related Epidermolysis Bullosa with Pyloric Atresia. Identifiers: Orphanet 158684, MedGen C2677349, MONDO:0012807, OMIM 612138.
Epidermolysis bullosa simplex with nail dystrophy (EBS5D). Identifiers: MedGen C4225309, MONDO:0014661, OMIM 616487.
Epidermolysis bullosa simplex 5B, with muscular dystrophy (EBS5B). Also called: Epidermolysis bullosa simplex with muscular dystrophy; EPIDERMOLYSIS BULLOSA SIMPLEX AND LIMB-GIRDLE MUSCULAR DYSTROPHY. Identifiers: Orphanet 257, MedGen C2931072, MONDO:0009181, OMIM 226670.
Autosomal recessive limb-girdle muscular dystrophy type 2Q (LGMDR17). Also called: MUSCULAR DYSTROPHY, LIMB-GIRDLE, AUTOSOMAL RECESSIVE 17. Identifiers: Orphanet 254361, MedGen C3150989, MONDO:0013390, OMIM 613723.
Epidermolysis bullosa simplex, Ogna type (EBS5A). Also called: Pidermolysis bullosa simplex 5A, Ogna type; EPIDERMOLYSIS BULLOSA SIMPLEX 5A, OGNA TYPE. Identifiers: Orphanet 79401, MedGen C0432317, MONDO:0007555, OMIM 131950.

Allele frequency attached by ClinVar (database versions not stated): ExAC 0.00001; gnomAD exomes 0.00001 and 0.00002; TOPMed 0.00001.
gnomAD v4.1: 17 of 1,611,308 alleles (0.0011%); highest among the groups gnomAD compares: Non-Finnish European, 0.0013%; no homozygotes.

Submission:

Labcorp Genetics (formerly Invitae), Labcorp
Classification: Uncertain significance for Autosomal recessive limb-girdle muscular dystrophy type 2Q; Epidermolysis bullosa simplex, Ogna type; Epidermolysis bullosa simplex with nail dystrophy; Epidermolysis bullosa simplex 5C, with pyloric atresia; Epidermolysis bullosa simplex 5B, with muscular dystrophy. Last evaluated: 2024-09-11. Review status: criteria provided, single submitter. Criteria: Invitae Variant Classification Sherloc (09022015). Collection method: clinical testing. Allele origin: germline.
Comment: This sequence change replaces alanine, which is neutral and non-polar, with valine, which is neutral and non-polar, at codon 3665 of the PLEC protein (p.Ala3665Val). This variant is present in population databases (rs534134741, gnomAD 0.003%). This variant has not been reported in the literature in individuals affected with PLEC-related conditions. ClinVar contains an entry for this variant (Variation ID: 573327). An algorithm developed to predict the effect of missense changes on protein structure and function (PolyPhen-2) suggests that this variant is likely to be tolerated. In summary, the available evidence is currently insufficient to determine the role of this variant in disease. Therefore, it has been classified as a Variant of Uncertain Significance.

NM_201384.3(PLEC):c.10913C>T (p.Ala3638Val)

Gene: PLEC (plectin; minus strand). Cytogenetic location: 8q24.3.
Variant type: single nucleotide variant.
Coding change: c.10913C>T on transcript NM_201384.3 (MANE Select); coding-DNA position 10913, C replaced by T.
Protein change: p.Ala3638Val; replaces alanine 3638 with valine.
Molecular consequence: missense variant.
Genome position (GRCh38, 1-based): chr8:143,918,908, G>A on the plus strand (C>T on the coding strand, the complement: PLEC is on the minus strand). VCF-style: chr8-143918908-G-A. GRCh37 (hg19) VCF-style: chr8-144993076-G-A.
Other names: c.10994C>T, p.Ala3665Val (NM_000445.5); c.10871C>T, p.Ala3624Val (NM_201378.4); c.10847C>T, p.Ala3616Val (NM_201379.3); c.11324C>T, p.Ala3775Val (NM_201380.4); c.10817C>T, p.Ala3606Val (NM_201381.3); c.10913C>T, p.Ala3638Val (NM_201382.4); c.10925C>T, p.Ala3642Val (NM_201383.3); short protein forms A3616V, A3624V, A3665V, A3638V, A3642V, A3775V, A3606V.
Identifiers: ClinVar variation 573327 (VCV000573327.7), dbSNP rs534134741, ClinGen allele CA4924502.